The following is an entry in ClinVar:

NM_000308.4(CTSA):c.1075T>C (p.Trp359Arg)

Gene: CTSA (cathepsin A; plus strand). Cytogenetic location: 20q13.12.
Variant type: single nucleotide variant.
Coding change: c.1075T>C on transcript NM_000308.4 (MANE Select); coding-DNA position 1075, T replaced by C.
Protein change: p.Trp359Arg; replaces tryptophan 359 with arginine.
Molecular consequence: missense variant. On other transcripts: non-coding transcript variant (1).
Genome position (GRCh38, 1-based): chr20:45,895,120, T>C. VCF-style: chr20-45895120-T-C. GRCh37 (hg19) VCF-style: chr20-44523759-T-C.
Other names: c.1075T>C, p.Trp359Arg (NM_001127695.3); c.1024T>C, p.Trp342Arg (NM_001167594.3); short protein forms W342R, W359R.
Identifiers: ClinVar variation 3357368 (VCV003357368.1).

ClinVar aggregate classification (germline): Uncertain significance (0 of 4 stars; one submission).

Conditions:
CTSA-related disorder. Also called: CTSA-related condition.

Submission:

PreventionGenetics, part of Exact Sciences
Classification: Uncertain significance for CTSA-related condition. Last evaluated: 2024-09-27. Review status: no assertion criteria provided. Collection method: clinical testing. Allele origin: germline.
Comment: The CTSA c.1129T>C variant is predicted to result in the amino acid substitution p.Trp377Arg. To our knowledge, this variant has not been reported in the literature or in a large population database, indicating this variant is rare. At this time, the clinical significance of this variant is uncertain due to the absence of conclusive functional and genetic evidence.